The following is an entry in ClinVar:

ClinVar aggregate classification (germline): Benign/Likely benign. Review status: criteria provided, multiple submitters, no conflicts (2 of 4 stars). 6 submissions from 6 submitters: Benign (5); Likely benign (1). Last evaluated 2026-01-25.

Conditions:
Pyruvate dehydrogenase E3-binding protein deficiency (PDHXD). Also called: Lacticacidemia due to PDX1 deficiency; PYRUVATE HYDROGENASE E3-BINDING PROTEIN DEFICIENCY; LACTIC ACIDEMIA DUE TO DEFECT IN LIPOYL-CONTAINING COMPONENT X OF THE PYRUVATE DEHYDROGENASE COMPLEX; E3-Binding Protein (Component X) Deficiency. Identifiers: Orphanet 255182, MedGen C1855553, MONDO:0009503, OMIM 245349.

Allele frequency attached by ClinVar (database versions not stated): gnomAD exomes 0.00046 and 0.00131; ExAC 0.00151; gnomAD 0.00498 and 0.00536; TOPMed 0.00523; ESP Exome Variant Server 0.00538; 1000 Genomes Project 0.00599; 1000 Genomes Project 30x 0.00671.
gnomAD v4.1: 1,463 of 1,614,054 alleles (0.091%); highest among the groups gnomAD compares: African/African-American, 1.7%; 14 homozygotes.

Submissions (6):

Labcorp Genetics (formerly Invitae), Labcorp
Classification: Benign. Last evaluated: 2026-01-25. Review status: criteria provided, single submitter. Criteria: Invitae Variant Classification Sherloc (09022015). Collection method: clinical testing. Allele origin: germline.

Blueprint Genetics
Classification: Likely benign. Last evaluated: 2024-11-05. Review status: criteria provided, single submitter. Criteria: ACMG Guidelines, 2015. Collection method: clinical testing. Allele origin: germline.

Mayo Clinic Laboratories, Mayo Clinic
Classification: Benign. Last evaluated: 2023-09-18. Review status: criteria provided, single submitter. Criteria: ACMG Guidelines, 2015. Collection method: clinical testing. Allele origin: germline. Observed: 5 variant alleles.
Comment: BS1, BS2, BP4

Illumina Laboratory Services, Illumina
Classification: Benign for Pyruvate dehydrogenase E3-binding protein deficiency. Last evaluated: 2018-01-12. Review status: criteria provided, single submitter. Criteria: ICSL Variant Classification Criteria 13 December 2019. Collection method: clinical testing. Allele origin: germline.
Comment: This variant was observed in the ICSL laboratory as part of a predisposition screen in an ostensibly healthy population. It had not been previously curated by ICSL or reported in the Human Gene Mutation Database (HGMD: prior to June 1st, 2018), and was therefore a candidate for classification through an automated scoring system. Utilizing variant allele frequency, disease prevalence and penetrance estimates, and inheritance mode, an automated score was calculated to assess if this variant is too frequent to cause the disease. Based on the score and internal cut-off values, a variant classified as benign is not then subjected to further curation. The score for this variant resulted in a classification of benign for this disease.

GeneDx
Classification: Benign. Last evaluated: 2014-05-28. Review status: criteria provided, single submitter. Criteria: GeneDx Variant Classification (06012015). Collection method: clinical testing. Allele origin: germline. Affected: yes.
Comment: This variant is considered likely benign or benign based on one or more of the following criteria: it is a conservative change, it occurs at a poorly conserved position in the protein, it is predicted to be benign by multiple in silico algorithms, and/or has population frequency not consistent with disease.

Breakthrough Genomics
Classification: Benign. Review status: criteria provided, single submitter. Criteria: ACMG Guidelines, 2015. Collection method: not provided. Allele origin: germline. Inheritance: Autosomal recessive inheritance. Affected: yes.

NM_003477.3(PDHX):c.1331G>A (p.Arg444Lys)

Gene: PDHX (pyruvate dehydrogenase complex component X; plus strand). Cytogenetic location: 11p13.
Variant type: single nucleotide variant.
Coding change: c.1331G>A on transcript NM_003477.3 (MANE Select); coding-DNA position 1331, G replaced by A.
Protein change: p.Arg444Lys; replaces arginine 444 with lysine.
Molecular consequence: missense variant.
Genome position (GRCh38, 1-based): chr11:34,994,997, G>A. VCF-style: chr11-34994997-G-A. GRCh37 (hg19) VCF-style: chr11-35016544-G-A.
Other names: p.R444K:AGG>AAG; p.Arg444Lys; c.1151G>A, p.Arg384Lys (NM_001135024.2); c.650G>A, p.Arg217Lys (NM_001166158.2); short protein forms R444K, R217K, R384K.
Identifiers: ClinVar variation 138666 (VCV000138666.18), dbSNP rs34398018, ClinGen allele CA292755.